The following is an entry in ClinVar:

ClinVar aggregate classification (germline): Uncertain significance. Review status: criteria provided, multiple submitters, no conflicts (2 of 4 stars). 2 submissions from 2 submitters: Uncertain significance (2). Last evaluated 2025-02-13.

Conditions:
Osteogenesis imperfecta type 13. Also called: OI, TYPE XIII; Osteogenesis imperfecta, type xiii. Identifiers: Orphanet 666, MedGen C3553887, MONDO:0013924, OMIM 614856.

Allele frequency attached by ClinVar (database versions not stated): ExAC 0.00001; gnomAD exomes 0.00001; TOPMed 0.00001.

Submissions (2):

Labcorp Genetics (formerly Invitae), Labcorp
Classification: Uncertain significance. Last evaluated: 2025-02-13. Review status: criteria provided, single submitter. Criteria: Invitae Variant Classification Sherloc (09022015). Collection method: clinical testing. Allele origin: germline.
Comment: This sequence change replaces arginine, which is basic and polar, with glutamine, which is neutral and polar, at codon 393 of the BMP1 protein (p.Arg393Gln). This variant is present in population databases (rs772355766, gnomAD 0.006%). This variant has not been reported in the literature in individuals affected with BMP1-related conditions. ClinVar contains an entry for this variant (Variation ID: 362581). An algorithm developed to predict the effect of missense changes on protein structure and function (PolyPhen-2) suggests that this variant is likely to be tolerated. In summary, the available evidence is currently insufficient to determine the role of this variant in disease. Therefore, it has been classified as a Variant of Uncertain Significance.

Illumina Laboratory Services, Illumina
Classification: Uncertain significance for Osteogenesis imperfecta type 13. Last evaluated: 2018-01-12. Review status: criteria provided, single submitter. Criteria: ICSL Variant Classification Criteria 13 December 2019. Collection method: clinical testing. Allele origin: germline.

NM_006129.5(BMP1):c.1178G>A (p.Arg393Gln)

Gene: BMP1 (bone morphogenetic protein 1; plus strand). Cytogenetic location: 8p21.3.
Variant type: single nucleotide variant.
Coding change: c.1178G>A on transcript NM_006129.5 (MANE Select); coding-DNA position 1178, G replaced by A.
Protein change: p.Arg393Gln; replaces arginine 393 with glutamine.
Molecular consequence: missense variant. On other transcripts: non-coding transcript variant (2).
Genome position (GRCh38, 1-based): chr8:22,192,149, G>A. VCF-style: chr8-22192149-G-A. GRCh37 (hg19) VCF-style: chr8-22049662-G-A.
Other names: c.1178G>A, p.Arg393Gln (NM_001199.4); short protein forms R393Q.
Identifiers: ClinVar variation 362581 (VCV000362581.6), dbSNP rs772355766, ClinGen allele CA4664574.